The following is an entry in ClinVar:

ClinVar aggregate classification (germline): Likely benign. Review status: criteria provided, multiple submitters, no conflicts (2 of 4 stars). 3 submissions from 3 submitters: Likely benign (3). Last evaluated 2026-01-20.

Conditions:
Hereditary cancer-predisposing syndrome. Also called: Hereditary neoplastic syndrome; Tumor predisposition; Neoplastic Syndromes, Hereditary; Hereditary Cancer Syndrome. Identifiers: Orphanet 140162, MedGen C0027672, MeSH D009386, MONDO:0015356.
Hereditary diffuse gastric adenocarcinoma (HDGC). Also called: DIFFUSE GASTRIC AND LOBULAR BREAST CANCER SYNDROME. Identifiers: Orphanet 26106, MedGen C1708349, MONDO:0007648, OMIM 137215.

Allele frequency attached by ClinVar (database versions not stated): gnomAD 0.00001; TOPMed 0.00002.
gnomAD v4.1: 5 of 1,613,294 alleles (0.00031%); highest among the groups gnomAD compares: Non-Finnish European, 0.00042%; no homozygotes.

Submissions (3):

Labcorp Genetics (formerly Invitae), Labcorp
Classification: Likely benign for Hereditary diffuse gastric adenocarcinoma. Last evaluated: 2026-01-20. Review status: criteria provided, single submitter. Criteria: Invitae Variant Classification Sherloc (09022015). Collection method: clinical testing. Allele origin: germline.

Color Diagnostics, LLC DBA Color Health
Classification: Likely benign for Hereditary cancer-predisposing syndrome. Last evaluated: 2019-10-15. Review status: criteria provided, single submitter. Criteria: ACMG Guidelines, 2015. Collection method: clinical testing. Allele origin: germline.

GeneDx
Classification: Likely benign. Last evaluated: 2017-11-13. Review status: criteria provided, single submitter. Criteria: GeneDx Variant Classification (06012015). Collection method: clinical testing. Allele origin: germline. Affected: yes.
Comment: This variant is considered likely benign or benign based on one or more of the following criteria: it is a conservative change, it occurs at a poorly conserved position in the protein, it is predicted to be benign by multiple in silico algorithms, and/or has population frequency not consistent with disease.

NM_004360.5(CDH1):c.833-17T>A

Gene: CDH1 (cadherin 1; plus strand). Cytogenetic location: 16q22.1.
Variant type: single nucleotide variant.
Coding change: c.833-17T>A on transcript NM_004360.5 (MANE Select); 17 bases into the intron before coding-DNA position 833, T replaced by A.
Molecular consequence: intron variant.
Genome position (GRCh38, 1-based): chr16:68,811,667, T>A. VCF-style: chr16-68811667-T-A. GRCh37 (hg19) VCF-style: chr16-68845570-T-A.
Other names: c.833-17T>A (LRG_301t1, NM_001317184.2); c.-783-17T>A (NM_001317185.2); c.-987-17T>A (NM_001317186.2).
Identifiers: ClinVar variation 379313 (VCV000379313.11), dbSNP rs1057520572, ClinGen allele CA16607443.